The following is an entry in ClinVar:

ClinVar aggregate classification (germline): Uncertain significance. Review status: criteria provided, multiple submitters, no conflicts (2 of 4 stars). 2 submissions from 2 submitters: Uncertain significance (2). Last evaluated 2023-08-01.

Conditions:
Hereditary cancer-predisposing syndrome. Also called: Tumor predisposition; Hereditary Cancer Syndrome; Hereditary neoplastic syndrome; Neoplastic Syndromes, Hereditary. Identifiers: Orphanet 140162, MedGen C0027672, MeSH D009386, MONDO:0015356.
Rhabdoid tumor predisposition syndrome 2 (RTPS2). Identifiers: Orphanet 231108, Orphanet 69077, MedGen C2750074, MONDO:0013224, OMIM 613325.

Submissions (2):

Ambry Genetics
Classification: Uncertain significance for Hereditary cancer-predisposing syndrome. Last evaluated: 2023-08-01. Review status: criteria provided, single submitter. Criteria: Ambry Variant Classification Scheme 2023. Collection method: clinical testing. Allele origin: germline.
Comment: The p.H54R variant (also known as c.161A>G), located in coding exon 1 of the SMARCA4 gene, results from an A to G substitution at nucleotide position 161. The histidine at codon 54 is replaced by arginine, an amino acid with highly similar properties. This amino acid position is highly conserved in available vertebrate species. In addition, the in silico prediction for this alteration is inconclusive. Missense and in-frame variants in SMARCA4 are known to cause neurodevelopmental disorders; however, such associations with rhabdoid tumor predisposition syndrome including small cell carcinoma of the ovary-hypercalcemic type (SCCOHT) are exceedingly rare (Kosho T et al. Am J Med Genet C Semin Med Genet. 2014 Sep;166C(3):262-75; Jelinic P et al. Nat Genet. 2014 May;46(5):424-6). Since supporting evidence is limited at this time, the clinical significance of this alteration remains unclear.

Labcorp Genetics (formerly Invitae), Labcorp
Classification: Uncertain significance for Rhabdoid tumor predisposition syndrome 2. Last evaluated: 2017-12-21. Review status: criteria provided, single submitter. Criteria: Invitae Variant Classification Sherloc (09022015). Collection method: clinical testing. Allele origin: germline.
Comment: In summary, the available evidence is currently insufficient to determine the role of this variant in disease. Therefore, it has been classified as a Variant of Uncertain Significance. Algorithms developed to predict the effect of missense changes on protein structure and function do not agree on the potential impact of this missense change (SIFT: "Deleterious"; PolyPhen-2: "Possibly Damaging"; Align-GVGD: "Class C0"). This variant has not been reported in the literature in individuals with SMARCA4-related disease. This variant is not present in population databases (ExAC no frequency). This sequence change replaces histidine with arginine at codon 54 of the SMARCA4 protein (p.His54Arg). The histidine residue is highly conserved and there is a small physicochemical difference between histidine and arginine.

NM_003072.5(SMARCA4):c.161A>G (p.His54Arg)

Gene: SMARCA4 (SWI/SNF related BAF chromatin remodeling complex subunit ATPase 4; plus strand). Cytogenetic location: 19p13.2.
Variant type: single nucleotide variant.
Coding change: c.161A>G on transcript NM_003072.5 (MANE Select); coding-DNA position 161, A replaced by G.
Protein change: p.His54Arg; replaces histidine 54 with arginine.
Molecular consequence: missense variant. On other transcripts: non-coding transcript variant (1).
Genome position (GRCh38, 1-based): chr19:10,984,312, A>G. VCF-style: chr19-10984312-A-G. GRCh37 (hg19) VCF-style: chr19-11094988-A-G.
Other names: c.161A>G, p.His54Arg (NM_001128844.3, NM_001128845.2, NM_001128846.2 and 5 more transcripts); short protein forms H54R.
Identifiers: ClinVar variation 537825 (VCV000537825.11), dbSNP rs1348866967, ClinGen allele CA404054507.
Genomic context (GRCh38, chr19:10,984,312, plus strand): 5'-CCTCGCCGGGCTCCGCCCACAGCATGATGGGGCCCAGCCCAGGGCCGCCCTCAGCAGGAC[A>G]CCCCATCCCCACCCAGGGGCCTGGAGGGTACCCTCAGGACAACATGCACCAGATGCACAA-3'
Protein context (NP_003063.2, residues 44-64): GPSPGPPSAG[His54Arg]PIPTQGPGGY